The following is an entry in ClinVar:

ClinVar aggregate classification (germline): Conflicting classifications of pathogenicity. Review status: criteria provided, conflicting classifications (1 of 4 stars). 2 submissions from 2 submitters: Uncertain significance (1); Likely benign (1). Last evaluated 2025-10-17.

Conditions:
Hereditary cancer-predisposing syndrome. Also called: Neoplastic Syndromes, Hereditary; Hereditary Cancer Syndrome; Hereditary neoplastic syndrome; Tumor predisposition. Identifiers: Orphanet 140162, MedGen C0027672, MeSH D009386, MONDO:0015356.

Submissions (2):

Ambry Genetics
Classification: Likely benign for Hereditary cancer-predisposing syndrome. Last evaluated: 2025-10-17. Review status: criteria provided, single submitter. Criteria: Ambry Variant Classification Scheme 2023. Collection method: clinical testing. Allele origin: germline.

Labcorp Genetics (formerly Invitae), Labcorp
Classification: Uncertain significance. Last evaluated: 2022-08-24. Review status: criteria provided, single submitter. Criteria: Invitae Variant Classification Sherloc (09022015). Collection method: clinical testing. Allele origin: germline.
Comment: In summary, the available evidence is currently insufficient to determine the role of this variant in disease. Therefore, it has been classified as a Variant of Uncertain Significance. Algorithms developed to predict the effect of missense changes on protein structure and function (SIFT, PolyPhen-2, Align-GVGD) all suggest that this variant is likely to be tolerated. This variant has not been reported in the literature in individuals affected with POLE-related conditions. This variant is not present in population databases (gnomAD no frequency). This sequence change replaces phenylalanine, which is neutral and non-polar, with leucine, which is neutral and non-polar, at codon 1985 of the POLE protein (p.Phe1985Leu).

NM_006231.4(POLE):c.5955T>G (p.Phe1985Leu)

Gene: POLE (DNA polymerase epsilon, catalytic subunit; minus strand). Cytogenetic location: 12q24.33.
Variant type: single nucleotide variant.
Coding change: c.5955T>G on transcript NM_006231.4 (MANE Select); coding-DNA position 5955, T replaced by G.
Protein change: p.Phe1985Leu; replaces phenylalanine 1985 with leucine.
Molecular consequence: missense variant.
Genome position (GRCh38, 1-based): chr12:132,634,235, A>C on the plus strand (T>G on the coding strand, the complement: POLE is on the minus strand). VCF-style: chr12-132634235-A-C. GRCh37 (hg19) VCF-style: chr12-133210821-A-C.
Other names: c.5955T>G (NM_006231.2); short protein forms F1985L.
Identifiers: ClinVar variation 2044988 (VCV002044988.5), dbSNP rs2541859702, ClinGen allele CA387371508.